The following is an entry in ClinVar:

ClinVar aggregate classification (germline): Uncertain significance (1 of 4 stars; one submission).

Conditions:
MOGS-congenital disorder of glycosylation. Also called: CDG IIb; MOGS-CDG; GLUCOSIDASE I DEFICIENCY; CDG 2B. Identifiers: Orphanet 79330, MedGen C1853736, MONDO:0011629, OMIM 606056.

Allele frequency attached by ClinVar (database versions not stated): gnomAD exomes below 0.00001.

Submission:

Labcorp Genetics (formerly Invitae), Labcorp
Classification: Uncertain significance for MOGS-congenital disorder of glycosylation. Last evaluated: 2022-10-01. Review status: criteria provided, single submitter. Criteria: Invitae Variant Classification Sherloc (09022015). Collection method: clinical testing. Allele origin: germline.
Comment: This variant has not been reported in the literature in individuals affected with MOGS-related conditions. This variant is not present in population databases (gnomAD no frequency). This sequence change replaces glycine, which is neutral and non-polar, with tryptophan, which is neutral and slightly polar, at codon 671 of the MOGS protein (p.Gly671Trp). Algorithms developed to predict the effect of missense changes on protein structure and function are either unavailable or do not agree on the potential impact of this missense change (SIFT: "Deleterious"; PolyPhen-2: "Possibly Damaging"; Align-GVGD: "Class C0"). In summary, the available evidence is currently insufficient to determine the role of this variant in disease. Therefore, it has been classified as a Variant of Uncertain Significance.

NM_006302.3(MOGS):c.2011G>T (p.Gly671Trp)

Gene: MOGS (mannosyl-oligosaccharide glucosidase; minus strand). Cytogenetic location: 2p13.1.
Variant type: single nucleotide variant.
Coding change: c.2011G>T on transcript NM_006302.3 (MANE Select); coding-DNA position 2011, G replaced by T.
Protein change: p.Gly671Trp; replaces glycine 671 with tryptophan.
Molecular consequence: missense variant.
Genome position (GRCh38, 1-based): chr2:74,461,778, C>A on the plus strand (G>T on the coding strand, the complement: MOGS is on the minus strand). VCF-style: chr2-74461778-C-A. GRCh37 (hg19) VCF-style: chr2-74688905-C-A.
Other names: c.1693G>T, p.Gly565Trp (NM_001146158.2); short protein forms G565W, G671W.
Identifiers: ClinVar variation 1720192 (VCV001720192.6), dbSNP rs2529492293, ClinGen allele CA347368561.